The following is an entry in ClinVar:

ClinVar aggregate classification (germline): Conflicting classifications of pathogenicity. Review status: criteria provided, conflicting classifications (1 of 4 stars). 3 submissions from 3 submitters: Uncertain significance (2); Likely benign (1). Last evaluated 2025-08-11.

Conditions:
Basal cell carcinoma, susceptibility to, 1. Also called: BCC1. Identifiers: MedGen C2751544, MONDO:0011556, OMIM 605462.
Holoprosencephaly 7 (HPE7). Identifiers: Orphanet 2162, MedGen C1835820, MONDO:0012562, OMIM 610828.
Gorlin syndrome. Also called: Nevoid Basal Cell Carcinoma Syndrome; Basal cell nevus syndrome. Identifiers: Orphanet 377, MedGen C0004779, MONDO:0007187.
Hereditary cancer-predisposing syndrome. Also called: Hereditary neoplastic syndrome; Hereditary Cancer Syndrome; Tumor predisposition; Neoplastic Syndromes, Hereditary. Identifiers: Orphanet 140162, MedGen C0027672, MeSH D009386, MONDO:0015356.

Allele frequency attached by ClinVar (database versions not stated): ExAC 0.00001; gnomAD exomes 0.00001.
gnomAD v4.1: 5 of 1,614,204 alleles (0.00031%); highest among the groups gnomAD compares: Non-Finnish European, 0.00042%; no homozygotes.

Submissions (3):

Labcorp Genetics (formerly Invitae), Labcorp
Classification: Likely benign for Gorlin syndrome. Last evaluated: 2025-08-11. Review status: criteria provided, single submitter. Criteria: Invitae Variant Classification Sherloc (09022015). Collection method: clinical testing. Allele origin: germline.

Ambry Genetics
Classification: Uncertain significance for Hereditary cancer-predisposing syndrome. Last evaluated: 2025-08-10. Review status: criteria provided, single submitter. Criteria: Ambry Variant Classification Scheme 2023. Collection method: clinical testing. Allele origin: germline.
Comment: The p.S433Y variant (also known as c.1298C>A), located in coding exon 9 of the PTCH1 gene, results from a C to A substitution at nucleotide position 1298. The serine at codon 433 is replaced by tyrosine, an amino acid with dissimilar properties. This amino acid position is highly conserved in available vertebrate species. In addition, this alteration is predicted to be deleterious by in silico analysis. Since supporting evidence is limited at this time, the clinical significance of this alteration remains unclear.

Fulgent Genetics
Classification: Uncertain significance for Basal cell nevus syndrome 1; Basal cell carcinoma, susceptibility to, 1; Holoprosencephaly 7. Last evaluated: 2022-05-25. Review status: criteria provided, single submitter. Criteria: ACMG Guidelines, 2015. Collection method: clinical testing. Allele origin: unknown.

NM_000264.5(PTCH1):c.1298C>A (p.Ser433Tyr)

Gene: PTCH1 (patched 1; minus strand). Cytogenetic location: 9q22.32.
Variant type: single nucleotide variant.
Coding change: c.1298C>A on transcript NM_000264.5 (MANE Select); coding-DNA position 1298, C replaced by A.
Protein change: p.Ser433Tyr; replaces serine 433 with tyrosine.
Molecular consequence: missense variant. On other transcripts: non-coding transcript variant (1).
Genome position (GRCh38, 1-based): chr9:95,478,104, G>T on the plus strand (C>A on the coding strand, the complement: PTCH1 is on the minus strand). VCF-style: chr9-95478104-G-T. GRCh37 (hg19) VCF-style: chr9-98240386-G-T.
Other names: c.1100C>A, p.Ser367Tyr (NM_001083602.3); c.1295C>A, p.Ser432Tyr (NM_001083603.3); c.845C>A, p.Ser282Tyr (NM_001083604.3, NM_001083605.3, NM_001083606.3 and 1 more transcripts); c.1298C>A, p.Ser433Tyr (NM_001354918.2); short protein forms S432Y, S282Y, S367Y, S433Y.
Identifiers: ClinVar variation 970941 (VCV000970941.14), dbSNP rs778455544, ClinGen allele CA5138706.
Genomic context (GRCh38, chr9:95,478,104, plus strand): 5'-TCGAGCGTTACCATGAGTAAGTAGCCGCTGGCCACGCGGATGACACTGACGTCAGAGAAG[G>T]ATTTCAGGATGTCGTCCAGGGTCGTGGTGGTGAAGGAAAGCACCTTTTGAGTGGAGTTCT-3'
Protein context (NP_000255.2, residues 423-443): TTTTLDDILK[Ser433Tyr]FSDVSVIRVA